The following is an entry in ClinVar:

ClinVar aggregate classification (germline): Likely benign. Review status: criteria provided, multiple submitters, no conflicts (2 of 4 stars). 2 submissions from 2 submitters: Likely benign (2). Last evaluated 2026-05-01.

Conditions:
CDH23-related disorder. Also called: CDH23-related disorders; CDH23-related condition.

Allele frequency attached by ClinVar (database versions not stated): gnomAD exomes below 0.00001 and 0.00001; gnomAD 0.00001.

Submissions (2):

PreventionGenetics, part of Exact Sciences
Classification: Likely benign for CDH23-related condition. Last evaluated: 2026-05-01. Review status: criteria provided, single submitter. Criteria: ACMG Guidelines, 2015. Collection method: clinical testing. Allele origin: germline.
Comment: This variant is classified as likely benign based on ACMG/AMP sequence variant interpretation guidelines (Richards et al. 2015 PMID: 25741868, with internal and published modifications).

Labcorp Genetics (formerly Invitae), Labcorp
Classification: Likely benign. Last evaluated: 2024-03-14. Review status: criteria provided, single submitter. Criteria: Invitae Variant Classification Sherloc (09022015). Collection method: clinical testing. Allele origin: germline.

NM_022124.6(CDH23):c.9405C>G (p.Pro3135=)

Gene: CDH23 (cadherin related 23; plus strand). Cytogenetic location: 10q22.1.
Variant type: single nucleotide variant.
Coding change: c.9405C>G on transcript NM_022124.6 (MANE Select); coding-DNA position 9405, C replaced by G.
Protein change: p.Pro3135=; no amino-acid change (proline 3135 retained).
Molecular consequence: synonymous variant.
Genome position (GRCh38, 1-based): chr10:71,812,504, C>G. VCF-style: chr10-71812504-C-G. GRCh37 (hg19) VCF-style: chr10-73572261-C-G.
Other names: c.2685C>G, p.Pro895= (NM_001171933.1, NM_001171934.1); c.96C>G, p.Pro32= (NM_001171935.1, NM_001171936.1); c.9405C>G (NM_022124.5).
Identifiers: ClinVar variation 1607259 (VCV001607259.9), dbSNP rs1314822725, ClinGen allele CA470282733.
Genomic context (GRCh38, chr10:71,812,504, plus strand): 5'-CCCTCCCTCCCCACCCTTTTCCCTCCCCAACTGCAGAGCCAACCCTGTGTGGCTGGATCC[C>G]TTCTGTCGGAACCTGGAGCTGGCCGCCCAGGCGGAGCATGAGGATGACCTACCGGAGAAC-3'
Protein context (NP_071407.4, residues 3125-3145): FDGANPVWLD[Pro3135=]FCRNLELAAQ